The following is an entry in ClinVar:

NM_020831.6(MRTFA):c.1993GCCCCC[2] (p.665AP[2])

Gene: MRTFA (myocardin related transcription factor A; minus strand). Cytogenetic location: 22q13.1.
Variant type: Microsatellite.
Coding change: c.1993GCCCCC[2] on transcript NM_020831.6 (MANE Select); two copies in a row of the 6-base unit GCCCCC starting at c.1993; the reference has three copies in a row; one copy, 6 bases deleted.
Protein change: p.665AP[2].
Molecular consequence: inframe deletion.
Genome position (GRCh38, 1-based): chr22:40,418,728-40,418,733, GGGGGC deleted on the plus strand (GCCCCC on the coding strand, the reverse complement: MRTFA is on the minus strand); deleting any 6 consecutive bases within chr22:40,418,728-40,418,748 gives the same sequence; the position shown is the placement nearest the transcript's 3' end. VCF-style (leftmost placement, unchanged base first): chr22-40418727-GGGGGGC-G. GRCh37 (hg19) VCF-style: chr22-40814731-GGGGGGC-G.
Other names: c.1693GCCCCC[2], p.565AP[2] (NM_001282660.2); c.1843GCCCCC[2], p.615AP[2] (NM_001282661.3); c.1993GCCCCC[2], p.665AP[2] (NM_001282662.3); c.1798GCCCCC[2], p.600AP[2] (NM_001318139.2); c.1705_1710del6 (NM_020831.4).
Identifiers: ClinVar variation 1043564 (VCV001043564.10), dbSNP rs754085988, ClinGen allele CA10249469.
Genomic context (GRCh38, chr22:40,418,727, plus strand): 5'-GGGGCTGCTGGCTCAGCTGGCAGCTGGAGAAGCTGTTCTCCTGCTTCACGGGGGTGCCGA[GGGGGGC>G]GGGGGCGGGGGCGGGCTGCTGGGCTCGCTTCTCCTGCTCCAGCTGCAGCTTGAGCCGCTC-3'

ClinVar aggregate classification (germline): Conflicting classifications of pathogenicity. Review status: criteria provided, conflicting classifications (1 of 4 stars). 4 submissions from 4 submitters: Uncertain significance (2); Likely benign (1). 1 of the submissions does not count toward it. Last evaluated 2026-02-01.

Conditions:
MRTFA-related disorder. Also called: MRTFA-related condition.

Submissions (4):

Labcorp Genetics (formerly Invitae), Labcorp
Classification: Uncertain significance. Last evaluated: 2026-02-01. Review status: criteria provided, single submitter. Criteria: Invitae Variant Classification Sherloc (09022015). Collection method: clinical testing. Allele origin: germline.
Comment: This variant, c.1705_1710del, results in the deletion of 2 amino acid(s) of the MKL1 protein (p.Ala569_Pro570del), but otherwise preserves the integrity of the reading frame. The frequency data for this variant in the population databases is considered unreliable, as metrics indicate poor data quality at this position in the gnomAD database. This variant has not been reported in the literature in individuals affected with MKL1-related conditions. Experimental studies and prediction algorithms are not available or were not evaluated, and the functional significance of this variant is currently unknown. In summary, the available evidence is currently insufficient to determine the role of this variant in disease. Therefore, it has been classified as a Variant of Uncertain Significance.

Blueprint Genetics
Classification: Likely benign. Last evaluated: 2024-10-23. Review status: criteria provided, single submitter. Criteria: ACMG Guidelines, 2015. Collection method: clinical testing. Allele origin: germline.

Breakthrough Genomics
Classification: Uncertain significance. Review status: criteria provided, single submitter. Criteria: ACMG Guidelines, 2015. Collection method: not provided. Allele origin: germline. Inheritance: Autosomal dominant inheritance. Affected: yes.

PreventionGenetics, part of Exact Sciences
Classification: Benign for MRTFA-related condition. Last evaluated: 2020-01-10. Review status: no assertion criteria provided. Collection method: clinical testing. Allele origin: germline. Not counted in ClinVar's aggregate classification.
Comment: This variant is classified as benign based on ACMG/AMP sequence variant interpretation guidelines (Richards et al. 2015 PMID: 25741868, with internal and published modifications).